The following is an entry in ClinVar:

ClinVar aggregate classification (germline): Uncertain significance. Review status: criteria provided, multiple submitters, no conflicts (2 of 4 stars). 2 submissions from 2 submitters: Uncertain significance (2). Last evaluated 2024-06-21.

Conditions:
Hereditary cancer-predisposing syndrome. Also called: Hereditary Cancer Syndrome; Hereditary neoplastic syndrome; Neoplastic Syndromes, Hereditary; Tumor predisposition. Identifiers: Orphanet 140162, MedGen C0027672, MeSH D009386, MONDO:0015356.

Allele frequency attached by ClinVar (database versions not stated): TOPMed below 0.00001.

Submissions (2):

Labcorp Genetics (formerly Invitae), Labcorp
Classification: Uncertain significance. Last evaluated: 2024-06-21. Review status: criteria provided, single submitter. Criteria: Invitae Variant Classification Sherloc (09022015). Collection method: clinical testing. Allele origin: germline.
Comment: This sequence change replaces cysteine, which is neutral and slightly polar, with serine, which is neutral and polar, at codon 141 of the MSH3 protein (p.Cys141Ser). This variant is not present in population databases (gnomAD no frequency). This variant has not been reported in the literature in individuals affected with MSH3-related conditions. ClinVar contains an entry for this variant (Variation ID: 1738890). An algorithm developed to predict the effect of missense changes on protein structure and function (PolyPhen-2) suggests that this variant is likely to be tolerated. In summary, the available evidence is currently insufficient to determine the role of this variant in disease. Therefore, it has been classified as a Variant of Uncertain Significance.

Ambry Genetics
Classification: Uncertain significance for Hereditary cancer-predisposing syndrome. Last evaluated: 2022-08-29. Review status: criteria provided, single submitter. Criteria: Ambry Variant Classification Scheme 2023. Collection method: clinical testing. Allele origin: germline.
Comment: The p.C141S variant (also known as c.422G>C), located in coding exon 3 of the MSH3 gene, results from a G to C substitution at nucleotide position 422. The cysteine at codon 141 is replaced by serine, an amino acid with dissimilar properties. This amino acid position is conserved. In addition, this alteration is predicted to be tolerated by in silico analysis. Since supporting evidence is limited at this time, the clinical significance of this alteration remains unclear.

NM_002439.5(MSH3):c.422G>C (p.Cys141Ser)

Gene: MSH3 (mutS homolog 3; plus strand). Cytogenetic location: 5q14.1.
Variant type: single nucleotide variant.
Coding change: c.422G>C on transcript NM_002439.5 (MANE Select); coding-DNA position 422, G replaced by C.
Protein change: p.Cys141Ser; replaces cysteine 141 with serine.
Molecular consequence: missense variant.
Genome position (GRCh38, 1-based): chr5:80,665,206, G>C. VCF-style: chr5-80665206-G-C. GRCh37 (hg19) VCF-style: chr5-79961025-G-C.
Other names: short protein forms C141S.
Identifiers: ClinVar variation 1738890 (VCV001738890.4), dbSNP rs1749541470, ClinGen allele CA360263310.